The following is an entry in ClinVar:

ClinVar aggregate classification (germline): Uncertain significance (1 of 4 stars; one submission).

Submission:

GeneDx
Classification: Uncertain significance. Last evaluated: 2022-11-29. Review status: criteria provided, single submitter. Criteria: GeneDx Variant Classification Process June 2021. Collection method: clinical testing. Allele origin: germline. Affected: yes.
Comment: Not observed at significant frequency in large population cohorts (gnomAD); In silico analysis supports that this missense variant has a deleterious effect on protein structure/function; Has not been previously published as pathogenic or benign to our knowledge

NM_001001331.4(ATP2B2):c.3040C>T (p.Arg1014Cys)

Gene: ATP2B2 (ATPase plasma membrane Ca2+ transporting 2; minus strand). Cytogenetic location: 3p25.3.
Variant type: single nucleotide variant.
Coding change: c.3040C>T on transcript NM_001001331.4 (MANE Select); coding-DNA position 3040, C replaced by T.
Protein change: p.Arg1014Cys; replaces arginine 1014 with cysteine.
Molecular consequence: missense variant.
Genome position (GRCh38, 1-based): chr3:10,340,582, G>A on the plus strand (C>T on the coding strand, the complement: ATP2B2 is on the minus strand). VCF-style: chr3-10340582-G-A. GRCh37 (hg19) VCF-style: chr3-10382266-G-A.
Other names: c.2905C>T, p.Arg969Cys (NM_001330611.3, NM_001353564.1, NM_001363862.1 and 1 more transcripts); short protein forms R1014C, R969C.
Identifiers: ClinVar variation 2504487 (VCV002504487.1), dbSNP rs2470126264, ClinGen allele CA351776336.